The following is an entry in ClinVar:

ClinVar aggregate classification (germline): Conflicting classifications of pathogenicity. Review status: criteria provided, conflicting classifications (1 of 4 stars). 2 submissions from 2 submitters: Uncertain significance (1); Likely benign (1). Last evaluated 2023-12-21.

Conditions:
Cardiovascular phenotype. Identifiers: MedGen CN230736.
Familial hypobetalipoproteinemia 1. Also called: Hypobetalipoproteinemia, normotriglyceridemic; Acanthocytosis with hypobetalipoproteinemia; APOB-Related Familial Hypobetalipoproteinemia. Identifiers: MedGen C4551990, MONDO:0014252, OMIM 615558.
Hypercholesterolemia, autosomal dominant, type B (FHCL2). Also called: APOLIPOPROTEIN B-100, FAMILIAL DEFECTIVE; APOLIPOPROTEIN B-100, FAMILIAL LIGAND-DEFECTIVE; HYPERCHOLESTEROLEMIA, FAMILIAL, DUE TO LIGAND-DEFECTIVE APOLIPOPROTEIN B; Hyperlipoproteinemia Type IIb; Familial hypercholesterolemia 2; APOB-Related Familial Hypercholesterolemia, Autosomal Dominant. Identifiers: MedGen C1704417, MONDO:0007751, OMIM 144010.

Allele frequency attached by ClinVar (database versions not stated): gnomAD exomes below 0.00001 and 0.00001; ExAC 0.00001.
gnomAD v4.1: 8 of 1,612,272 alleles (0.0005%); highest among the groups gnomAD compares: East Asian, 0.018%; no homozygotes.

Submissions (2):

Ambry Genetics
Classification: Likely benign for Cardiovascular phenotype. Last evaluated: 2023-12-21. Review status: criteria provided, single submitter. Criteria: Ambry Variant Classification Scheme 2023. Collection method: clinical testing. Allele origin: germline.

Labcorp Genetics (formerly Invitae), Labcorp
Classification: Uncertain significance for Familial hypobetalipoproteinemia 1; Hypercholesterolemia, autosomal dominant, type B. Last evaluated: 2019-02-05. Review status: criteria provided, single submitter. Criteria: Invitae Variant Classification Sherloc (09022015). Collection method: clinical testing. Allele origin: germline.
Comment: This variant has not been reported in the literature in individuals with APOB-related conditions. This variant is present in population databases (rs780141544, ExAC 0.01%). This sequence change replaces isoleucine with threonine at codon 2249 of the APOB protein (p.Ile2249Thr). The isoleucine residue is moderately conserved and there is a moderate physicochemical difference between isoleucine and threonine. Algorithms developed to predict the effect of missense changes on protein structure and function are either unavailable or do not agree on the potential impact of this missense change (SIFT: "Tolerated"; PolyPhen-2: "Benign"; Align-GVGD: "Class C0"). In summary, the available evidence is currently insufficient to determine the role of this variant in disease. Therefore, it has been classified as a Variant of Uncertain Significance.

NM_000384.3(APOB):c.6746T>C (p.Ile2249Thr)

Gene: APOB (apolipoprotein B; minus strand). Cytogenetic location: 2p24.1.
Variant type: single nucleotide variant.
Coding change: c.6746T>C on transcript NM_000384.3 (MANE Select); coding-DNA position 6746, T replaced by C.
Protein change: p.Ile2249Thr; replaces isoleucine 2249 with threonine.
Molecular consequence: missense variant.
Genome position (GRCh38, 1-based): chr2:21,010,122, A>G on the plus strand (T>C on the coding strand, the complement: APOB is on the minus strand). VCF-style: chr2-21010122-A-G. GRCh37 (hg19) VCF-style: chr2-21232994-A-G.
Other names: short protein forms I2249T.
Identifiers: ClinVar variation 862878 (VCV000862878.13), dbSNP rs780141544, ClinGen allele CA063482.